The following is an entry in ClinVar:

ClinVar aggregate classification (germline): Uncertain significance (1 of 4 stars; one submission).

Conditions:
Combined oxidative phosphorylation defect type 14. Also called: Combined oxidative phosphorylation deficiency 14. Identifiers: Orphanet 319519, MedGen C4755312, MONDO:0013986, OMIM 614946.

Allele frequency attached by ClinVar (database versions not stated): gnomAD exomes below 0.00001.
gnomAD v4.1: 5 of 1,614,090 alleles (0.00031%); highest among the groups gnomAD compares: Non-Finnish European, 0.00034%; no homozygotes.

Submission:

Labcorp Genetics (formerly Invitae), Labcorp
Classification: Uncertain significance for Combined oxidative phosphorylation defect type 14. Last evaluated: 2022-07-12. Review status: criteria provided, single submitter. Criteria: Invitae Variant Classification Sherloc (09022015). Collection method: clinical testing. Allele origin: germline.
Comment: In summary, the available evidence is currently insufficient to determine the role of this variant in disease. Therefore, it has been classified as a Variant of Uncertain Significance. Advanced modeling of protein sequence and biophysical properties (such as structural, functional, and spatial information, amino acid conservation, physicochemical variation, residue mobility, and thermodynamic stability) performed at Invitae indicates that this missense variant is expected to disrupt FARS2 protein function. ClinVar contains an entry for this variant (Variation ID: 1449894). This variant has not been reported in the literature in individuals affected with FARS2-related conditions. This variant is not present in population databases (gnomAD no frequency). This sequence change replaces isoleucine, which is neutral and non-polar, with valine, which is neutral and non-polar, at codon 329 of the FARS2 protein (p.Ile329Val).

NM_006567.5(FARS2):c.985A>G (p.Ile329Val)

Gene: FARS2 (phenylalanyl-tRNA synthetase 2, mitochondrial; plus strand). Cytogenetic location: 6p25.1.
Variant type: single nucleotide variant.
Coding change: c.985A>G on transcript NM_006567.5 (MANE Select); coding-DNA position 985, A replaced by G.
Protein change: p.Ile329Val; replaces isoleucine 329 with valine.
Molecular consequence: missense variant.
Genome position (GRCh38, 1-based): chr6:5,545,260, A>G. VCF-style: chr6-5545260-A-G. GRCh37 (hg19) VCF-style: chr6-5545493-A-G.
Other names: c.985A>G, p.Ile329Val (NM_001318872.2, NM_001374875.1, NM_001374876.1 and 4 more transcripts); c.853A>G, p.Ile285Val (NM_001375258.1); c.289A>G, p.Ile97Val (NM_001375259.1, NM_001375260.1); short protein forms I329V, I97V, I285V.
Identifiers: ClinVar variation 1449894 (VCV001449894.8), dbSNP rs1770896163, ClinGen allele CA362736542.